The following is an entry in ClinVar:

NM_005477.3(HCN4):c.1297G>A (p.Gly433Ser)

Gene: HCN4 (hyperpolarization activated cyclic nucleotide gated potassium channel 4; minus strand). Cytogenetic location: 15q24.1.
Variant type: single nucleotide variant.
Coding change: c.1297G>A on transcript NM_005477.3 (MANE Select); coding-DNA position 1297, G replaced by A.
Protein change: p.Gly433Ser; replaces glycine 433 with serine.
Molecular consequence: missense variant.
Genome position (GRCh38, 1-based): chr15:73,332,205, C>T on the plus strand (G>A on the coding strand, the complement: HCN4 is on the minus strand). VCF-style: chr15-73332205-C-T. GRCh37 (hg19) VCF-style: chr15-73624546-C-T.
Other names: short protein forms G433S.
Identifiers: ClinVar variation 470646 (VCV000470646.12), dbSNP rs573588965, ClinGen allele CA7649330.
Genomic context (GRCh38, chr15:73,332,205, plus strand): 5'-TGGACACCCAGCAGTCGTCAGGGAAGTCCTGTAGCATGGGTACCAGGAACTGCAGGCAGC[C>T]GTCCCAGTGGCAGAGCAGGAGCATCATGCCGATGAGGTTCACGATGCGCACCACGGCGCT-3'
Protein context (NP_005468.1, residues 423-443): GMMLLLCHWD[Gly433Ser]CLQFLVPMLQ

ClinVar aggregate classification (germline): Uncertain significance. Review status: criteria provided, multiple submitters, no conflicts (2 of 4 stars). 4 submissions from 4 submitters: Uncertain significance (4). Last evaluated 2026-01-27.

Conditions:
Brugada syndrome 8 (BRGDA8). Identifiers: Orphanet 130, MedGen C2751083, MONDO:0013148, OMIM 613123.
Cardiovascular phenotype. Identifiers: MedGen CN230736.
Sick sinus syndrome 2, autosomal dominant (SSS2). Also called: ATRIAL FIBRILLATION WITH BRADYARRHYTHMIA; SINUS BRADYCARDIA SYNDROME, FAMILIAL, AUTOSOMAL DOMINANT; SINUS NODE DISEASE, FAMILIAL, AUTOSOMAL DOMINANT; SICK SINUS SYNDROME 2; SICK SINUS SYNDROME 2 WITH OR WITHOUT CARDIAC NONCOMPACTION AND/OR ASCENDING AORTA DILATION. Identifiers: Orphanet 166282, MedGen C1834144, MONDO:0008102, OMIM 163800.

Allele frequency attached by ClinVar (database versions not stated): ExAC 0.00001; gnomAD 0.00001 and 0.00002; gnomAD exomes 0.00001; TOPMed 0.00001; 1000 Genomes Project 30x 0.00016; 1000 Genomes Project 0.00020.
gnomAD v4.1: 13 of 1,614,184 alleles (0.00081%); highest among the groups gnomAD compares: African/African-American, 0.0013%; no homozygotes.

Submissions (4):

Labcorp Genetics (formerly Invitae), Labcorp
Classification: Uncertain significance for Brugada syndrome 8. Last evaluated: 2026-01-27. Review status: criteria provided, single submitter. Criteria: Invitae Variant Classification Sherloc (09022015). Collection method: clinical testing. Allele origin: germline.
Comment: This sequence change replaces glycine, which is neutral and non-polar, with serine, which is neutral and polar, at codon 433 of the HCN4 protein (p.Gly433Ser). This variant is present in population databases (rs573588965, gnomAD 0.004%). This variant has not been reported in the literature in individuals affected with HCN4-related conditions. ClinVar contains an entry for this variant (Variation ID: 470646). Invitae Evidence Modeling of protein sequence and biophysical properties (such as structural, functional, and spatial information, amino acid conservation, physicochemical variation, residue mobility, and thermodynamic stability) indicates that this missense variant is expected to disrupt HCN4 protein function with a positive predictive value of 95%. In summary, the available evidence is currently insufficient to determine the role of this variant in disease. Therefore, it has been classified as a Variant of Uncertain Significance.

Ambry Genetics
Classification: Uncertain significance for Cardiovascular phenotype. Last evaluated: 2021-12-03. Review status: criteria provided, single submitter. Criteria: Ambry Variant Classification Scheme 2023. Collection method: clinical testing. Allele origin: germline.
Comment: The p.G433S variant (also known as c.1297G>A), located in coding exon 3 of the HCN4 gene, results from a G to A substitution at nucleotide position 1297. The glycine at codon 433 is replaced by serine, an amino acid with similar properties. This amino acid position is conserved. In addition, this alteration is predicted to be deleterious by in silico analysis. Since supporting evidence is limited at this time, the clinical significance of this alteration remains unclear.

AiLife Diagnostics
Classification: Uncertain significance. Last evaluated: 2021-10-12. Review status: criteria provided, single submitter. Criteria: ACMG Guidelines, 2015. Collection method: clinical testing. Allele origin: germline. Affected: yes. Observed: 1 variant allele.

Fulgent Genetics
Classification: Uncertain significance for Sick sinus syndrome 2, autosomal dominant; Brugada syndrome 8. Last evaluated: 2018-10-31. Review status: criteria provided, single submitter. Criteria: ACMG Guidelines, 2015. Collection method: clinical testing. Allele origin: unknown.